The following is an entry in ClinVar:

ClinVar aggregate classification (germline): Uncertain significance (1 of 4 stars; one submission).

Conditions:
Adams-Oliver syndrome 5 (AOS5). Identifiers: Orphanet 974, MedGen C4014970, MONDO:0014459, OMIM 616028.

gnomAD v4.1: 5 of 1,595,874 alleles (0.00031%); highest among the groups gnomAD compares: South Asian, 0.0011%; no homozygotes.

Submission:

Labcorp Genetics (formerly Invitae), Labcorp
Classification: Uncertain significance for Adams-Oliver syndrome 5. Last evaluated: 2024-08-01. Review status: criteria provided, single submitter. Criteria: Invitae Variant Classification Sherloc (09022015). Collection method: clinical testing. Allele origin: germline.
Comment: This sequence change replaces proline, which is neutral and non-polar, with leucine, which is neutral and non-polar, at codon 1390 of the NOTCH1 protein (p.Pro1390Leu). This variant is not present in population databases (gnomAD no frequency). This variant has not been reported in the literature in individuals affected with NOTCH1-related conditions. Advanced modeling of protein sequence and biophysical properties (such as structural, functional, and spatial information, amino acid conservation, physicochemical variation, residue mobility, and thermodynamic stability) performed at Invitae indicates that this missense variant is not expected to disrupt NOTCH1 protein function with a negative predictive value of 80%. In summary, the available evidence is currently insufficient to determine the role of this variant in disease. Therefore, it has been classified as a Variant of Uncertain Significance.

NM_017617.5(NOTCH1):c.4169C>T (p.Pro1390Leu)

Gene: NOTCH1 (notch receptor 1; minus strand). Cytogenetic location: 9q34.3.
Variant type: single nucleotide variant.
Coding change: c.4169C>T on transcript NM_017617.5 (MANE Select); coding-DNA position 4169, C replaced by T.
Protein change: p.Pro1390Leu; replaces proline 1390 with leucine.
Molecular consequence: missense variant.
Genome position (GRCh38, 1-based): chr9:136,505,727, G>A on the plus strand (C>T on the coding strand, the complement: NOTCH1 is on the minus strand). VCF-style: chr9-136505727-G-A. GRCh37 (hg19) VCF-style: chr9-139400179-G-A.
Other names: short protein forms P1390L.
Identifiers: ClinVar variation 2845561 (VCV002845561.3), dbSNP rs1042030863, ClinGen allele CA375649402.